The following is an entry in ClinVar:

NM_014625.4(NPHS2):c.738+1del

Gene: NPHS2 (NPHS2 stomatin family member, podocin; minus strand). Cytogenetic location: 1q25.2.
Variant type: Deletion.
Coding change: c.738+1del on transcript NM_014625.4 (MANE Select); the canonical splice donor site of the intron after coding-DNA position 738, one base deleted (G; older notation c.738+1delG).
Molecular consequence: splice donor variant. On other transcripts: intron variant (1).
Genome position (GRCh38, 1-based): chr1:179,557,026, C deleted on the plus strand (G on the coding strand, the reverse complement: NPHS2 is on the minus strand); the first of 2 consecutive C bases (chr1:179,557,026-179,557,027); deleting either gives the same sequence. VCF-style (leftmost placement, unchanged base first): chr1-179557025-AC-A. GRCh37 (hg19) VCF-style: chr1-179526160-AC-A.
Other names: c.738+1del (NM_014625.3); c.535-2495del (NM_001297575.2).
Identifiers: ClinVar variation 1454556 (VCV001454556.10), dbSNP rs2125784348, ClinGen allele CA2573131329.
Genomic context (GRCh38, chr1:179,557,025, plus strand): 5'-AATGAACAAATGAATAAAAGATAAATATTTCAGCATATTGGCCATTATGTTTATCTAAGT[AC>A]CTTTGCATCTTGGGCGATGCTCTTCCTCTCTAGAAGAATTTCAGTGAGGGATCGATGTGC-3'

ClinVar aggregate classification (germline): Pathogenic/Likely pathogenic. Review status: criteria provided, multiple submitters, no conflicts (2 of 4 stars). 2 submissions from 2 submitters: Pathogenic (1); Likely pathogenic (1). Last evaluated 2025-05-15.

Conditions:
Steroid-resistant nephrotic syndrome. Identifiers: MedGen C0403397, MONDO:0044765, HP:0012588.

Submissions (2):

Natera, Inc.
Classification: Likely pathogenic for Steroid-resistant nephrotic syndrome. Last evaluated: 2025-05-15. Review status: criteria provided, single submitter. Criteria: Natera Variant Classification Schema (03/2026). Collection method: clinical testing. Allele origin: germline.
Comment: The c.738+1del variant in NPHS2 is a canonical splice donor site variant predicted to affect pre-mRNA splicing, which may result in an abnormal transcript and altered protein product. This variant is expected to result in nonsense mediated decay, truncation, or a dysfunctional protein product. This variant is rare in the general population with a frequency below the threshold expected for the associated phenotype(s). Given the available evidence, this variant is classified as Likely Pathogenic.

Labcorp Genetics (formerly Invitae), Labcorp
Classification: Pathogenic. Last evaluated: 2021-05-31. Review status: criteria provided, single submitter. Criteria: Invitae Variant Classification Sherloc (09022015). Collection method: clinical testing. Allele origin: germline.
Comment: This sequence change creates a premature translational stop signal (p.Val247Leufs*6) in the NPHS2 gene. It is expected to result in an absent or disrupted protein product. Loss-of-function variants in NPHS2 are known to be pathogenic (PMID: 10742096, 14701729, 15253708, 23595123). This variant is not present in population databases (ExAC no frequency). This variant has not been reported in the literature in individuals with NPHS2-related conditions. This variant is also known as c.738+1del. Algorithms developed to predict the effect of sequence changes on RNA splicing suggest that this variant may disrupt the consensus splice site, but this prediction has not been confirmed by published transcriptional studies. For these reasons, this variant has been classified as Pathogenic.

Literature cited by the submitters: PubMed 10742096 (cited by Labcorp Genetics (formerly Invitae), Labcorp); PubMed 14701729 (cited by Labcorp Genetics (formerly Invitae), Labcorp); PubMed 15253708 (cited by Labcorp Genetics (formerly Invitae), Labcorp); PubMed 23595123 (cited by Labcorp Genetics (formerly Invitae), Labcorp).